The following is an entry in ClinVar:

ClinVar aggregate classification (germline): Likely benign. Review status: criteria provided, multiple submitters, no conflicts (2 of 4 stars). 3 submissions from 3 submitters: Likely benign (2). 1 of the submissions does not count toward it. Last evaluated 2025-11-16.

Conditions:
Hereditary cancer-predisposing syndrome. Also called: Neoplastic Syndromes, Hereditary; Tumor predisposition; Hereditary Cancer Syndrome; Hereditary neoplastic syndrome. Identifiers: Orphanet 140162, MedGen C0027672, MeSH D009386, MONDO:0015356.
Cardiovascular phenotype. Identifiers: MedGen CN230736.
LZTR1-related disorder. Also called: LZTR1-related disorders; LZTR1-related condition.

Allele frequency attached by ClinVar (database versions not stated): gnomAD 0.00003.
gnomAD v4.1: 20 of 1,592,690 alleles (0.0013%); highest among the groups gnomAD compares: East Asian, 0.011%; no homozygotes.

Submissions (3):

Labcorp Genetics (formerly Invitae), Labcorp
Classification: Likely benign. Last evaluated: 2025-11-16. Review status: criteria provided, single submitter. Criteria: Invitae Variant Classification Sherloc (09022015). Collection method: clinical testing. Allele origin: germline.

Ambry Genetics
Classification: Likely benign for Cardiovascular phenotype; Hereditary cancer-predisposing syndrome. Last evaluated: 2021-02-16. Review status: criteria provided, single submitter. Criteria: Ambry Variant Classification Scheme 2023. Collection method: clinical testing. Allele origin: germline.

PreventionGenetics, part of Exact Sciences
Classification: Likely benign for LZTR1-related condition. Last evaluated: 2019-05-31. Review status: no assertion criteria provided. Collection method: clinical testing. Allele origin: germline. Not counted in ClinVar's aggregate classification.
Comment: This variant is classified as likely benign based on ACMG/AMP sequence variant interpretation guidelines (Richards et al. 2015 PMID: 25741868, with internal and published modifications).

NM_006767.4(LZTR1):c.1491C>T (p.Pro497=)

Gene: LZTR1 (leucine zipper like post translational regulator 1; plus strand). Cytogenetic location: 22q11.21.
Variant type: single nucleotide variant.
Coding change: c.1491C>T on transcript NM_006767.4 (MANE Select); coding-DNA position 1491, C replaced by T.
Protein change: p.Pro497=; no amino-acid change (proline 497 retained).
Molecular consequence: synonymous variant.
Genome position (GRCh38, 1-based): chr22:20,994,145, C>T. VCF-style: chr22-20994145-C-T. GRCh37 (hg19) VCF-style: chr22-21348434-C-T.
Identifiers: ClinVar variation 1629887 (VCV001629887.12), dbSNP rs749713272, ClinGen allele CA10118916.
Genomic context (GRCh38, chr22:20,994,145, plus strand): 5'-AGCTCCCTTCTCCCCACAGAAGCTGGAGCAGGAGGCCGCCCCAGTTCCCAGGGAGGCCCC[C>T]GGCGTGGCTGCTGGTGGGGCCCGGCCGCCCCTGCTGCACGTGGCCATCCGGGAGGCCGAG-3'
Protein context (NP_006758.2, residues 487-507): QEAAPVPREA[Pro497=]GVAAGGARPP